The following is an entry in ClinVar:

NM_003072.5(SMARCA4):c.508dup (p.Thr170fs)

Gene: SMARCA4 (SWI/SNF related BAF chromatin remodeling complex subunit ATPase 4; plus strand). Cytogenetic location: 19p13.2.
Variant type: Duplication.
Coding change: c.508dup on transcript NM_003072.5 (MANE Select); coding-DNA position 508, one base duplicated (A; older notation c.508dupA).
Protein change: p.Thr170fs; shifts the reading frame from threonine 170.
Molecular consequence: frameshift variant. On other transcripts: non-coding transcript variant (1).
Genome position (GRCh38, 1-based): chr19:10,986,341, A duplicated; the last of 2 consecutive A bases (chr19:10,986,340-10,986,341); duplicating either gives the same sequence. VCF-style (leftmost placement, unchanged base first): chr19-10986339-C-CA. GRCh37 (hg19) VCF-style: chr19-11097015-C-CA.
Other names: c.508dup, p.Thr170fs (NM_001128845.2, NM_001128846.2, NM_001128847.4 and 6 more transcripts); c.508dupA (NM_001387283.1); short protein forms T170fs.
Identifiers: ClinVar variation 4850763 (VCV004850763.1).

ClinVar aggregate classification (germline): Pathogenic (1 of 4 stars; one submission).

Conditions:
Rhabdoid tumor predisposition syndrome 2 (RTPS2). Identifiers: Orphanet 231108, Orphanet 69077, MedGen C2750074, MONDO:0013224, OMIM 613325.

Submission:

Variantyx, Inc.
Classification: Pathogenic for Rhabdoid tumor predisposition syndrome 2. Last evaluated: 2025-03-16. Review status: criteria provided, single submitter. Criteria: Variantyx Assertion Criteria 2022. Collection method: clinical testing. Allele origin: de novo. Inheritance: Autosomal dominant inheritance. Affected: yes.
Comment: This is a frameshift variant in the SMARCA4 gene (OMIM: 603254). Pathogenic variants in this gene have been associated with autosomal dominant rhabdoid tumor predisposition syndrome 2. This variant introduces a premature termination codon in exon 4 out of 35 and is expected to result in loss of function, which is a known disease mechanism for SMARCA4 in this disorder (PMID: 34642211) (PVS1). This variant is absent from control populations (PM2) and ot has not been rpreviously eported in individuals with SMARCA4-related disorders in the databases available for review. Based on the current evidence, this variant is classified as pathogenic for autosomal dominant rhabdoid tumor predisposition syndrome 2.Of note, this variant is classified as variant of uncertain significance for autosomal dominant Coffin-Siris syndrome 4. Loss of function is not an established mechanism for this disorder.

Literature cited by the submitters: PubMed 34642211.